The following is an entry in ClinVar:

NM_004525.3(LRP2):c.5626A>G (p.Ile1876Val)

Gene: LRP2 (LDL receptor related protein 2; minus strand). Cytogenetic location: 2q31.1.
Variant type: single nucleotide variant.
Coding change: c.5626A>G on transcript NM_004525.3 (MANE Select); coding-DNA position 5626, A replaced by G.
Protein change: p.Ile1876Val; replaces isoleucine 1876 with valine.
Molecular consequence: missense variant.
Genome position (GRCh38, 1-based): chr2:169,220,476, T>C on the plus strand (A>G on the coding strand, the complement: LRP2 is on the minus strand). VCF-style: chr2-169220476-T-C. GRCh37 (hg19) VCF-style: chr2-170076986-T-C.
Other names: short protein forms I1876V.
Identifiers: ClinVar variation 1698670 (VCV001698670.3), dbSNP rs763254934, ClinGen allele CA1954487.

ClinVar aggregate classification (germline): Uncertain significance. Review status: criteria provided, multiple submitters, no conflicts (2 of 4 stars). 3 submissions from 3 submitters: Uncertain significance (3). Last evaluated 2025-12-18.

Conditions:
LRP2-related disorder. Also called: LRP2-related condition.

Allele frequency attached by ClinVar (database versions not stated): ExAC 0.00001; gnomAD 0.00001; gnomAD exomes 0.00001; TOPMed 0.00001.
gnomAD v4.1: 19 of 1,613,424 alleles (0.0012%); highest among the groups gnomAD compares: Admixed American, 0.0017%; no homozygotes.

Submissions (3):

PreventionGenetics, part of Exact Sciences
Classification: Uncertain significance for LRP2-related condition. Last evaluated: 2025-12-18. Review status: criteria provided, single submitter. Criteria: ACMG Guidelines, 2015. Collection method: clinical testing. Allele origin: germline.
Comment: The LRP2 c.5626A>G variant is predicted to result in the amino acid substitution p.Ile1876Val. To our knowledge, this variant has not been reported in the literature. This variant is reported in 0.0026% of alleles in individuals of European (Non-Finnish) descent in gnomAD. At this time, the clinical significance of this variant is uncertain due to the absence of conclusive functional and genetic evidence.

Women's Health and Genetics/Laboratory Corporation of America, LabCorp
Classification: Uncertain significance. Last evaluated: 2022-06-30. Review status: criteria provided, single submitter. Criteria: LabCorp Variant Classification Summary - May 2015. Collection method: clinical testing. Allele origin: germline.
Comment: Variant summary: LRP2 c.5626A>G (p.Ile1876Val) results in a conservative amino acid change in the encoded protein sequence. Three of five in-silico tools predict a damaging effect of the variant on protein function. The variant allele was found at a frequency of 1.2e-05 in 250962 control chromosomes (gnomAD). The available data on variant occurrences in the general population are insufficient to allow any conclusion about variant significance. To our knowledge, no occurrence of c.5626A>G in individuals affected with Donnai Barrow Syndrome and no experimental evidence demonstrating its impact on protein function have been reported. No clinical diagnostic laboratories have submitted clinical-significance assessments for this variant to ClinVar after 2014. Based on the evidence outlined above, the variant was classified as uncertain significance.

Blueprint Genetics
Classification: Uncertain significance. Last evaluated: 2021-06-01. Review status: criteria provided, single submitter. Criteria: ACMG Guidelines, 2015. Collection method: clinical testing. Allele origin: germline.